The following is an entry in ClinVar:

NM_014000.3(VCL):c.2378C>A (p.Thr793Asn)

Gene: VCL (vinculin; plus strand). Cytogenetic location: 10q22.2.
Variant type: single nucleotide variant.
Coding change: c.2378C>A on transcript NM_014000.3 (MANE Select); coding-DNA position 2378, C replaced by A.
Protein change: p.Thr793Asn; replaces threonine 793 with asparagine.
Molecular consequence: missense variant.
Genome position (GRCh38, 1-based): chr10:74,105,297, C>A. VCF-style: chr10-74105297-C-A. GRCh37 (hg19) VCF-style: chr10-75865055-C-A.
Other names: c.2378C>A, p.Thr793Asn (NM_003373.4); short protein forms T793N.
Identifiers: ClinVar variation 1062441 (VCV001062441.11), dbSNP rs773421444, ClinGen allele CA5563199.

ClinVar aggregate classification (germline): Uncertain significance. Review status: criteria provided, multiple submitters, no conflicts (2 of 4 stars). 4 submissions from 4 submitters: Uncertain significance (4). Last evaluated 2026-01-18.

Conditions:
Dilated cardiomyopathy 1W (CMD1W). Identifiers: Orphanet 154, MedGen C1969639, MONDO:0012667, OMIM 611407.
Cardiovascular phenotype. Identifiers: MedGen CN230736.

Allele frequency attached by ClinVar (database versions not stated): gnomAD 0.00001; ExAC 0.00003; gnomAD exomes 0.00003; TOPMed 0.00003.
gnomAD v4.1: 19 of 1,613,324 alleles (0.0012%); highest among the groups gnomAD compares: Admixed American, 0.0067%; no homozygotes.

Submissions (4):

Labcorp Genetics (formerly Invitae), Labcorp
Classification: Uncertain significance for Dilated cardiomyopathy 1W. Last evaluated: 2026-01-18. Review status: criteria provided, single submitter. Criteria: Invitae Variant Classification Sherloc (09022015). Collection method: clinical testing. Allele origin: germline.
Comment: This sequence change replaces threonine, which is neutral and polar, with asparagine, which is neutral and polar, at codon 793 of the VCL protein (p.Thr793Asn). This variant is present in population databases (rs773421444, gnomAD 0.006%). This variant has not been reported in the literature in individuals affected with VCL-related conditions. ClinVar contains an entry for this variant (Variation ID: 1062441). An algorithm developed to predict the effect of missense changes on protein structure and function (PolyPhen-2) suggests that this variant is likely to be disruptive. In summary, the available evidence is currently insufficient to determine the role of this variant in disease. Therefore, it has been classified as a Variant of Uncertain Significance.

Molecular Diagnostic Laboratory for Inherited Cardiovascular Disease, Montreal Heart Institute
Classification: Uncertain significance for Cardiovascular phenotype. Last evaluated: 2025-04-09. Review status: criteria provided, single submitter. Criteria: ACMG Guidelines, 2015. Collection method: clinical testing. Allele origin: germline. Affected: yes.
Comment: PM2, PP3

Blueprint Genetics
Classification: Uncertain significance. Last evaluated: 2024-06-21. Review status: criteria provided, single submitter. Criteria: ACMG Guidelines, 2015. Collection method: clinical testing. Allele origin: germline.

Ambry Genetics
Classification: Uncertain significance for Cardiovascular phenotype. Last evaluated: 2024-03-07. Review status: criteria provided, single submitter. Criteria: Ambry Variant Classification Scheme 2023. Collection method: clinical testing. Allele origin: germline.